The following is an entry in ClinVar:

NM_001136239.4(PRDM6):c.167_168insG (p.Pro58fs)

Genes: PRDM6 (PR/SET domain 6; plus strand), PRDM6-AS1 (PRDM6 antisense RNA 1; minus strand). Cytogenetic location: 5q23.2.
Variant type: Insertion.
Coding change: c.167_168insG on transcript NM_001136239.4 (MANE Select); coding-DNA positions 167 to 168, G inserted.
Protein change: p.Pro58fs; shifts the reading frame from proline 58.
Molecular consequence: frameshift variant. On other transcripts: non-coding transcript variant (1).
Genome position: GRCh38 VCF-style: chr5-123090181-C-CG. GRCh37 (hg19) VCF-style: chr5-122425876-C-CG.
Other names: short protein forms P58fs.
Identifiers: ClinVar variation 768029 (VCV000768029.5), dbSNP rs768810414, ClinGen allele CA3386301.

ClinVar aggregate classification (germline): Benign. Review status: criteria provided, single submitter (1 of 4 stars). 2 submissions from 2 submitters: Benign (1). 1 of the submissions does not count toward it. Last evaluated 2019-12-31.

Conditions:
PRDM6-related disorder. Also called: PRDM6-related condition.

Allele frequency attached by ClinVar (database versions not stated): ExAC 0.00010; gnomAD exomes 0.00012 and 0.00086; gnomAD 0.01123 and 0.01210; 1000 Genomes Project 30x 0.01405.

Submissions (2):

Labcorp Genetics (formerly Invitae), Labcorp
Classification: Benign. Last evaluated: 2019-12-31. Review status: criteria provided, single submitter. Criteria: Invitae Variant Classification Sherloc (09022015). Collection method: clinical testing. Allele origin: germline.

PreventionGenetics, part of Exact Sciences
Classification: Likely benign for PRDM6-related condition. Last evaluated: 2024-09-01. Review status: no assertion criteria provided. Collection method: clinical testing. Allele origin: germline. Not counted in ClinVar's aggregate classification.
Comment: This variant is classified as likely benign based on ACMG/AMP sequence variant interpretation guidelines (Richards et al. 2015 PMID: 25741868, with internal and published modifications).